The following is an entry in ClinVar:

NM_000219.6(KCNE1):c.170T>G (p.Phe57Cys)

Gene: KCNE1 (potassium voltage-gated channel subfamily E regulatory subunit 1; minus strand). Cytogenetic location: 21q22.12.
Variant type: single nucleotide variant.
Coding change: c.170T>G on transcript NM_000219.6 (MANE Select); coding-DNA position 170, T replaced by G.
Protein change: p.Phe57Cys; replaces phenylalanine 57 with cysteine.
Molecular consequence: missense variant.
Genome position (GRCh38, 1-based): chr21:34,449,465, A>C on the plus strand (T>G on the coding strand, the complement: KCNE1 is on the minus strand). VCF-style: chr21-34449465-A-C. GRCh37 (hg19) VCF-style: chr21-35821763-A-C.
Other names: c.170T>G, p.Phe57Cys (NM_001127668.4, NM_001127669.4, NM_001127670.4 and 4 more transcripts); short protein forms F57C.
Identifiers: ClinVar variation 3374235 (VCV003374235.2).

Conditions:
Long QT syndrome 5 (LQT5). Identifiers: Orphanet 101016, Orphanet 768, MedGen C1867904, MONDO:0013372, OMIM 613695.

Submission:

Roden Lab, Vanderbilt University Medical Center
No classification provided (evidence only). Condition: Long QT syndrome 5. Review status: no classification provided. Collection method: in vitro. Allele origin: not applicable. Functional consequence: Effect on ion channel function.
ClinVar note: "not provided" was previously submitted as the classification for the variant. However, the classification appeared to be based only on an observation of functional data so it was converted to no classification on 2025-07-30.